The following is an entry in ClinVar:

ClinVar aggregate classification (germline): Uncertain significance (1 of 4 stars; one submission).

Allele frequency attached by ClinVar (database versions not stated): TOPMed 0.00001.
gnomAD v4.1: 2 of 1,604,858 alleles (0.00012%); highest among the groups gnomAD compares: African/African-American, 0.0027%; no homozygotes.

Submission:

Labcorp Genetics (formerly Invitae), Labcorp
Classification: Uncertain significance. Last evaluated: 2023-08-10. Review status: criteria provided, single submitter. Criteria: Invitae Variant Classification Sherloc (09022015). Collection method: clinical testing. Allele origin: germline.
Comment: In summary, the available evidence is currently insufficient to determine the role of this variant in disease. Therefore, it has been classified as a Variant of Uncertain Significance. An algorithm developed to predict the effect of missense changes on protein structure and function (PolyPhen-2) suggests that this variant is likely to be tolerated. ClinVar contains an entry for this variant (Variation ID: 2186867). This variant has not been reported in the literature in individuals affected with AHDC1-related conditions. This variant is not present in population databases (gnomAD no frequency). This sequence change replaces threonine, which is neutral and polar, with isoleucine, which is neutral and non-polar, at codon 960 of the AHDC1 protein (p.Thr960Ile).

NM_001371928.1(AHDC1):c.2879C>T (p.Thr960Ile)

Gene: AHDC1 (AT-hook DNA binding motif containing 1; minus strand). Cytogenetic location: 1p36.11.
Variant type: single nucleotide variant.
Coding change: c.2879C>T on transcript NM_001371928.1 (MANE Select); coding-DNA position 2879, C replaced by T.
Protein change: p.Thr960Ile; replaces threonine 960 with isoleucine.
Molecular consequence: missense variant.
Genome position (GRCh38, 1-based): chr1:27,549,237, G>A on the plus strand (C>T on the coding strand, the complement: AHDC1 is on the minus strand). VCF-style: chr1-27549237-G-A. GRCh37 (hg19) VCF-style: chr1-27875748-G-A.
Other names: c.2879C>T, p.Thr960Ile (NM_001029882.3); short protein forms T960I.
Identifiers: ClinVar variation 2186867 (VCV002186867.4), dbSNP rs983774136, ClinGen allele CA19873829.
Genomic context (GRCh38, chr1:27,549,237, plus strand): 5'-ACGCTTTGTCCGGCCCCATAGCCGCCGTACTGGGGCAGGTAGGTGTTGGCAGGCGGGTGG[G>A]TGGTAGGTGAGCGGGCCATGGCTGAGGGCGGGGGCACCAGCTTGGGGAAGGTCTCGGCTG-3'
Protein context (NP_001358857.1, residues 950-970): PPSAMARSPT[Thr960Ile]HPPANTYLPQ